The following is an entry in ClinVar:

ClinVar aggregate classification (germline): Uncertain significance (1 of 4 stars; one submission).

Submission:

Labcorp Genetics (formerly Invitae), Labcorp
Classification: Uncertain significance. Last evaluated: 2026-01-24. Review status: criteria provided, single submitter. Criteria: Invitae Variant Classification Sherloc (09022015). Collection method: clinical testing. Allele origin: germline.
Comment: This sequence change replaces valine, which is neutral and non-polar, with threonine, which is neutral and polar, at codon 575 of the NPAT protein (p.Val575Thr). Information on the frequency of this variant in the gnomAD database is not available, as this variant may be reported differently in the database. This variant has not been reported in the literature in individuals affected with NPAT-related conditions. An algorithm developed to predict the effect of missense changes on protein structure and function (PolyPhen-2) suggests that this variant is likely to be tolerated. In summary, the available evidence is currently insufficient to determine the role of this variant in disease. Therefore, it has been classified as a Variant of Uncertain Significance.

NM_002519.3(NPAT):c.1723_1724inv (p.Val575Thr)

Gene: NPAT (nuclear protein, coactivator of histone transcription; minus strand). Cytogenetic location: 11q22.3.
Variant type: Inversion.
Coding change: c.1723_1724inv on transcript NM_002519.3 (MANE Select).
Protein change: p.Val575Thr; replaces valine 575 with threonine.
Molecular consequence: missense variant.
Genome position: GRCh38 VCF-style: chr11-108173260-AC-GT. GRCh37 (hg19) VCF-style: chr11-108043987-AC-GT.
Other names: c.1723_1724inv, p.Val575Thr (NM_001321307.1); short protein forms V575T.
Identifiers: ClinVar variation 4734594 (VCV004734594.1).